The following is an entry in ClinVar:

ClinVar aggregate classification (germline): Pathogenic/Likely pathogenic. Review status: criteria provided, multiple submitters, no conflicts (2 of 4 stars). 2 submissions from 2 submitters: Pathogenic (1); Likely pathogenic (1). Last evaluated 2024-02-19.

Conditions:
BBS2-related ciliopathy. Identifiers: MedGen CN378634, MONDO:1040048.
Bardet-Biedl syndrome 2 (BBS2). Identifiers: Orphanet 110, MedGen C2936863, MONDO:0014432, OMIM 615981.

Allele frequency attached by ClinVar (database versions not stated): ExAC 0.00001; gnomAD exomes below 0.00001.
gnomAD v4.1: 4 of 1,613,636 alleles (0.00025%); highest among the groups gnomAD compares: South Asian, 0.0044%; no homozygotes.

Submissions (2):

Myriad Genetics, Inc.
Classification: Pathogenic for BBS2-related ciliopathy. Last evaluated: 2024-02-19. Review status: criteria provided, single submitter. Criteria: Myriad Autosomal Dominant, Autosomal Recessive and X-Linked Classification Criteria (2023). Collection method: clinical testing. Allele origin: unknown.
Comment: NM_031885.3(BBS2):c.791G>A(W264*) is expected to be pathogenic in the context of Bardet-Biedl syndrome, BBS2-related. This variant is predicted to lead to an abnormal or absent protein product due to the creation of a premature termination codon in BBS2, a gene where loss-of-function variants are known to be pathogenic. Please note: this variant was assessed in the context of healthy population screening.

Baylor Genetics
Classification: Likely pathogenic for Bardet-Biedl syndrome 2. Last evaluated: 2023-11-25. Review status: criteria provided, single submitter. Criteria: ACMG Guidelines, 2015. Collection method: clinical testing. Allele origin: unknown.

NM_031885.5(BBS2):c.791G>A (p.Trp264Ter)

Gene: BBS2 (Bardet-Biedl syndrome 2; minus strand). Cytogenetic location: 16q13.
Variant type: single nucleotide variant.
Coding change: c.791G>A on transcript NM_031885.5 (MANE Select); coding-DNA position 791, G replaced by A.
Protein change: p.Trp264Ter; replaces tryptophan 264 with a stop codon.
Molecular consequence: nonsense. On other transcripts: non-coding transcript variant (5).
Genome position (GRCh38, 1-based): chr16:56,505,963, C>T on the plus strand (G>A on the coding strand, the complement: BBS2 is on the minus strand). VCF-style: chr16-56505963-C-T. GRCh37 (hg19) VCF-style: chr16-56539875-C-T.
Other names: c.791G>A, p.Trp264Ter (NM_001377456.1); short protein forms W264*.
Identifiers: ClinVar variation 3240887 (VCV003240887.2), dbSNP rs767449884.